The following is an entry in ClinVar:

ClinVar aggregate classification (germline): Uncertain significance (1 of 4 stars; one submission).

Conditions:
MKS1-related disorder. Also called: MKS1-related disorders; MKS1-related condition. Identifiers: MedGen CN239382.

Submission:

PreventionGenetics, part of Exact Sciences
Classification: Uncertain significance for MKS1-related condition. Last evaluated: 2024-11-27. Review status: criteria provided, single submitter. Criteria: ACMG Guidelines, 2015. Collection method: clinical testing. Allele origin: germline.
Comment: The MKS1 c.1561G>A variant is predicted to result in the amino acid substitution p.Gly521Arg. To our knowledge, this variant has not been reported in the literature or in a large population database (gnomAD), indicating this variant is rare. At this time, the clinical significance of this variant is uncertain due to the absence of conclusive functional and genetic evidence.

NM_017777.4(MKS1):c.1644G>A (p.Gln548=)

Gene: MKS1 (MKS transition zone complex subunit 1; minus strand). Cytogenetic location: 17q22.
Variant type: single nucleotide variant.
Coding change: c.1644G>A on transcript NM_017777.4 (MANE Select); coding-DNA position 1644, G replaced by A.
Protein change: p.Gln548=; no amino-acid change (glutamine 548 retained).
Molecular consequence: synonymous variant. On other transcripts: missense variant (1), 3 prime UTR variant (1).
Genome position (GRCh38, 1-based): chr17:58,206,115, C>T on the plus strand (G>A on the coding strand, the complement: MKS1 is on the minus strand). VCF-style: chr17-58206115-C-T. GRCh37 (hg19) VCF-style: chr17-56283476-C-T.
Other names: c.1035G>A, p.Gln345= (NM_001321268.2); c.1561G>A, p.Gly521Arg (NM_001321269.2); c.*56G>A (NM_001330397.2); short protein forms G521R.
Identifiers: ClinVar variation 5001083 (VCV005001083.1).
Genomic context (GRCh38, chr17:58,206,115, plus strand): 5'-ACTGTGGGCCAGGGCTGCTGTGAGCTAGGAGACCAGGGTTCCAGAGGGGCTCACTAGGTC[C>T]TGCGGGAGGCTTTCCCGGGCCTCCTGCATGCGGCGCCGGGCTCGACGGAAGGCCTCTGTA-3'
Protein context (NP_060247.2, residues 538-558): RMQEARESLP[Gln548=]DLVSPSGTLV